The following is an entry in ClinVar:

ClinVar aggregate classification (germline): Uncertain significance (1 of 4 stars; one submission).

gnomAD v4.1: 1 of 1,608,140 alleles (0.000062%); highest among the groups gnomAD compares: Non-Finnish European, 0.000085%; no homozygotes.

Submission:

GeneDx
Classification: Uncertain significance. Last evaluated: 2024-12-22. Review status: criteria provided, single submitter. Criteria: GeneDx Variant Classification Process June 2021. Collection method: clinical testing. Allele origin: germline. Affected: yes.
Comment: Not observed at significant frequency in large population cohorts (gnomAD); In silico analysis indicates that this missense variant does not alter protein structure/function; Has not been previously published as pathogenic or benign to our knowledge

NM_007118.4(TRIO):c.7511G>C (p.Gly2504Ala)

Gene: TRIO (trio Rho guanine nucleotide exchange factor; plus strand). Cytogenetic location: 5p15.2.
Variant type: single nucleotide variant.
Coding change: c.7511G>C on transcript NM_007118.4 (MANE Select); coding-DNA position 7511, G replaced by C.
Protein change: p.Gly2504Ala; replaces glycine 2504 with alanine.
Molecular consequence: missense variant.
Genome position (GRCh38, 1-based): chr5:14,488,139, G>C. VCF-style: chr5-14488139-G-C. GRCh37 (hg19) VCF-style: chr5-14488248-G-C.
Other names: short protein forms G2504A.
Identifiers: ClinVar variation 3906427 (VCV003906427.1).